The following is an entry in ClinVar:

ClinVar aggregate classification (germline): Uncertain significance (1 of 4 stars; one submission).

Allele frequency attached by ClinVar (database versions not stated): ExAC 0.00015; gnomAD exomes 0.00016 and 0.00027; TOPMed 0.00019; gnomAD 0.00022 and 0.00024; ESP Exome Variant Server 0.00038.
gnomAD v4.1: 412 of 1,581,248 alleles (0.026%); highest among the groups gnomAD compares: Non-Finnish European, 0.034%; no homozygotes.

Submission:

Labcorp Genetics (formerly Invitae), Labcorp
Classification: Uncertain significance. Last evaluated: 2025-10-14. Review status: criteria provided, single submitter. Criteria: Invitae Variant Classification Sherloc (09022015). Collection method: clinical testing. Allele origin: germline.
Comment: This sequence change replaces threonine, which is neutral and polar, with isoleucine, which is neutral and non-polar, at codon 345 of the APPL1 protein (p.Thr345Ile). This variant is present in population databases (rs141281784, gnomAD 0.03%). This variant has not been reported in the literature in individuals affected with APPL1-related conditions. ClinVar contains an entry for this variant (Variation ID: 1400786). Invitae Evidence Modeling of protein sequence and biophysical properties (such as structural, functional, and spatial information, amino acid conservation, physicochemical variation, residue mobility, and thermodynamic stability) indicates that this missense variant is not expected to disrupt APPL1 protein function with a negative predictive value of 80%. In summary, the available evidence is currently insufficient to determine the role of this variant in disease. Therefore, it has been classified as a Variant of Uncertain Significance.

NM_012096.3(APPL1):c.1034C>T (p.Thr345Ile)

Gene: APPL1 (adaptor protein, phosphotyrosine interacting with PH domain and leucine zipper 1; plus strand). Cytogenetic location: 3p14.3.
Variant type: single nucleotide variant.
Coding change: c.1034C>T on transcript NM_012096.3 (MANE Select); coding-DNA position 1034, C replaced by T.
Protein change: p.Thr345Ile; replaces threonine 345 with isoleucine.
Molecular consequence: missense variant.
Genome position (GRCh38, 1-based): chr3:57,249,530, C>T. VCF-style: chr3-57249530-C-T. GRCh37 (hg19) VCF-style: chr3-57283558-C-T.
Other names: short protein forms T345I.
Identifiers: ClinVar variation 1400786 (VCV001400786.8), dbSNP rs141281784, ClinGen allele CA2463670.